The following is an entry in ClinVar:

ClinVar aggregate classification (germline): Pathogenic (1 of 4 stars; one submission).

Submission:

Labcorp Genetics (formerly Invitae), Labcorp
Classification: Pathogenic. Last evaluated: 2023-01-13. Review status: criteria provided, single submitter. Criteria: Invitae Variant Classification Sherloc (09022015). Collection method: clinical testing. Allele origin: germline.
Comment: Algorithms developed to predict the effect of sequence changes on RNA splicing suggest that this variant may disrupt the consensus splice site. This sequence change creates a premature translational stop signal (p.Gln336*) in the MAK gene. It is expected to result in an absent or disrupted protein product. Loss-of-function variants in MAK are known to be pathogenic (PMID: 21148103, 21825139, 24938718, 29781741). This variant is not present in population databases (gnomAD no frequency). This variant has not been reported in the literature in individuals affected with MAK-related conditions. For these reasons, this variant has been classified as Pathogenic.

Literature cited by the submitters: PubMed 21148103; PubMed 21825139; PubMed 24938718; PubMed 29781741.

NM_001242957.3(MAK):c.1006C>T (p.Gln336Ter)

Gene: MAK (male germ cell associated kinase; minus strand). Cytogenetic location: 6p24.2.
Variant type: single nucleotide variant.
Coding change: c.1006C>T on transcript NM_001242957.3 (MANE Select); coding-DNA position 1006, C replaced by T.
Protein change: p.Gln336Ter; replaces glutamine 336 with a stop codon.
Molecular consequence: nonsense. On other transcripts: non-coding transcript variant (2).
Genome position (GRCh38, 1-based): chr6:10,796,135, G>A on the plus strand (C>T on the coding strand, the complement: MAK is on the minus strand). VCF-style: chr6-10796135-G-A. GRCh37 (hg19) VCF-style: chr6-10796368-G-A.
Other names: c.1006C>T, p.Gln336Ter (NM_001242385.2, NM_005906.6); c.904C>T, p.Gln302Ter (NM_001377262.1); short protein forms Q302*, Q336*.
Identifiers: ClinVar variation 2828149 (VCV002828149.3), dbSNP rs2532426836, ClinGen allele CA362719568.